The following is an entry in ClinVar:

ClinVar aggregate classification (germline): Likely benign (1 of 4 stars; one submission).

Allele frequency attached by ClinVar (database versions not stated): gnomAD 0.00001 and 0.00002; gnomAD exomes 0.00001 and 0.00002; ExAC 0.00003; TOPMed 0.00003; ESP Exome Variant Server 0.00008.
gnomAD v4.1: 23 of 1,613,014 alleles (0.0014%); highest among the groups gnomAD compares: East Asian, 0.0022%; no homozygotes.

Submission:

CeGaT Center for Human Genetics Tuebingen
Classification: Likely benign. Last evaluated: 2025-05-01. Review status: criteria provided, single submitter. Criteria: CeGaT Center For Human Genetics Tuebingen Variant Classification Criteria Version 2. Collection method: clinical testing. Allele origin: germline. Affected: yes. Observed: 2 variant alleles.
Comment: SPTBN2: BP4, BP7

NM_006946.4(SPTBN2):c.6294G>A (p.Pro2098=)

Gene: SPTBN2 (spectrin beta, non-erythrocytic 2; minus strand). Cytogenetic location: 11q13.2.
Variant type: single nucleotide variant.
Coding change: c.6294G>A on transcript NM_006946.4 (MANE Select); coding-DNA position 6294, G replaced by A.
Protein change: p.Pro2098=; no amino-acid change (proline 2098 retained).
Molecular consequence: synonymous variant.
Genome position (GRCh38, 1-based): chr11:66,688,249, C>T on the plus strand (G>A on the coding strand, the complement: SPTBN2 is on the minus strand). VCF-style: chr11-66688249-C-T. GRCh37 (hg19) VCF-style: chr11-66455720-C-T.
Identifiers: ClinVar variation 623778 (VCV000623778.43), dbSNP rs139653351, ClinGen allele CA6127986.